The following is an entry in ClinVar:

NM_000182.5(HADHA):c.1690-221C>T

Genes: GAREM2 (GRB2 associated regulator of MAPK1 subtype 2; plus strand), HADHA (hydroxyacyl-CoA dehydrogenase trifunctional multienzyme complex subunit alpha; minus strand). Cytogenetic location: 2p23.3.
Variant type: single nucleotide variant.
Coding change: c.1690-221C>T on transcript NM_000182.5 (MANE Select); 221 bases into the intron before coding-DNA position 1690, C replaced by T.
Molecular consequence: intron variant.
Genome position (GRCh38, 1-based): chr2:26,193,993, G>A on the plus strand (C>T on the coding strand, the complement: HADHA is on the minus strand). VCF-style: chr2-26193993-G-A. GRCh37 (hg19) VCF-style: chr2-26416862-G-A.
Identifiers: ClinVar variation 679656 (VCV000679656.2), dbSNP rs80138326, ClinGen allele CA44379066.

ClinVar aggregate classification (germline): Benign. Review status: criteria provided, multiple submitters, no conflicts (2 of 4 stars). 2 submissions from 2 submitters: Benign (2). Last evaluated 2018-06-16.

Allele frequency attached by ClinVar (database versions not stated): gnomAD 0.01547 and 0.01650; 1000 Genomes Project 0.01777; 1000 Genomes Project 30x 0.01811; TOPMed 0.01857.
gnomAD v4.1: 2,335 of 152,272 alleles (1.5%); highest among the groups gnomAD compares: African/African-American, 5.1%; 59 homozygotes.

Submissions (2):

GeneDx
Classification: Benign. Last evaluated: 2018-06-16. Review status: criteria provided, single submitter. Criteria: GeneDx Variant Classification (06012015). Collection method: clinical testing. Allele origin: germline. Affected: yes.
Comment: This variant is considered likely benign or benign based on one or more of the following criteria: it is a conservative change, it occurs at a poorly conserved position in the protein, it is predicted to be benign by multiple in silico algorithms, and/or has population frequency not consistent with disease.

Breakthrough Genomics
Classification: Benign. Review status: criteria provided, single submitter. Criteria: ACMG Guidelines, 2015. Collection method: not provided. Allele origin: germline. Inheritance: Autosomal recessive inheritance. Affected: yes.